The following is an entry in ClinVar:

NM_138694.4(PKHD1):c.1893C>G (p.Phe631Leu)

Gene: PKHD1 (PKHD1 ciliary IPT domain containing fibrocystin/polyductin; minus strand). Cytogenetic location: 6p12.2.
Variant type: single nucleotide variant.
Coding change: c.1893C>G on transcript NM_138694.4 (MANE Select); coding-DNA position 1893, C replaced by G.
Protein change: p.Phe631Leu; replaces phenylalanine 631 with leucine.
Molecular consequence: missense variant.
Genome position (GRCh38, 1-based): chr6:52,054,109, G>C on the plus strand (C>G on the coding strand, the complement: PKHD1 is on the minus strand). VCF-style: chr6-52054109-G-C. GRCh37 (hg19) VCF-style: chr6-51918907-G-C.
Other names: c.1893C>G, p.Phe631Leu (NM_170724.3); short protein forms F631L.
Identifiers: ClinVar variation 357447 (VCV000357447.32), dbSNP rs886061620, ClinGen allele CA10627207.

ClinVar aggregate classification (germline): Uncertain significance. Review status: criteria provided, multiple submitters, no conflicts (2 of 4 stars). 3 submissions from 3 submitters: Uncertain significance (2). 1 of the submissions does not count toward it. Last evaluated 2021-12-18.

Conditions:
Autosomal dominant polycystic liver disease. Also called: Congenital cystic disease of liver; Polycystic liver disease. Identifiers: Orphanet 2924, MedGen C0158683, MONDO:0000447, HP:0006557.
Autosomal recessive polycystic kidney disease (ARPKD). Also called: AR polycystic kidney disease. Identifiers: Orphanet 731, Orphanet 8378, MedGen C0085548, MeSH D017044, MONDO:0009889.

Allele frequency attached by ClinVar (database versions not stated): gnomAD exomes 0.00001 and 0.00003; gnomAD 0.00003 and 0.00004; TOPMed 0.00003.
gnomAD v4.1: 53 of 1,613,626 alleles (0.0033%); highest among the groups gnomAD compares: Non-Finnish European, 0.0045%; no homozygotes.

Submissions (3):

Labcorp Genetics (formerly Invitae), Labcorp
Classification: Uncertain significance for Autosomal recessive polycystic kidney disease. Last evaluated: 2021-12-18. Review status: criteria provided, single submitter. Criteria: Invitae Variant Classification Sherloc (09022015). Collection method: clinical testing. Allele origin: germline.
Comment: This sequence change replaces phenylalanine, which is neutral and non-polar, with leucine, which is neutral and non-polar, at codon 631 of the PKHD1 protein (p.Phe631Leu). This variant is present in population databases (no rsID available, gnomAD 0.003%). This variant has not been reported in the literature in individuals affected with PKHD1-related conditions. ClinVar contains an entry for this variant (Variation ID: 357447). Advanced modeling of protein sequence and biophysical properties (such as structural, functional, and spatial information, amino acid conservation, physicochemical variation, residue mobility, and thermodynamic stability) performed at Invitae indicates that this missense variant is not expected to disrupt PKHD1 protein function. In summary, the available evidence is currently insufficient to determine the role of this variant in disease. Therefore, it has been classified as a Variant of Uncertain Significance.

Illumina Laboratory Services, Illumina
Classification: Uncertain significance for Polycystic kidney disease 4. Last evaluated: 2018-01-13. Review status: criteria provided, single submitter. Criteria: ICSL Variant Classification Criteria 13 December 2019. Collection method: clinical testing. Allele origin: germline.

Laboratory of Gastroenterology and Hepatology, Radboud University Medical Center
Classification: Uncertain significance for Autosomal dominant polycystic liver disease. Last evaluated: 2021-09-01. Review status: no assertion criteria provided. Collection method: research. Allele origin: germline. Affected: yes. Not counted in ClinVar's aggregate classification.